The following is an entry in ClinVar:

ClinVar aggregate classification (germline): Uncertain significance (1 of 4 stars; one submission).

Conditions:
Inborn genetic diseases. Identifiers: MedGen C0950123, MeSH D030342.

Submission:

Ambry Genetics
Classification: Uncertain significance for Inborn genetic diseases. Last evaluated: 2022-03-04. Review status: criteria provided, single submitter. Criteria: Ambry Variant Classification Scheme 2023. Collection method: clinical testing. Allele origin: germline.
Comment: The p.E171D variant (also known as c.513A>C), located in coding exon 1 of the SMAD6 gene, results from an A to C substitution at nucleotide position 513. The glutamic acid at codon 171 is replaced by aspartic acid, an amino acid with highly similar properties. This amino acid position is conserved. In addition, this alteration is predicted to be tolerated by in silico analysis. Since supporting evidence is limited at this time, the clinical significance of this alteration remains unclear.

NM_005585.5(SMAD6):c.513A>C (p.Glu171Asp)

Gene: SMAD6 (SMAD family member 6; plus strand). Cytogenetic location: 15q22.31.
Variant type: single nucleotide variant.
Coding change: c.513A>C on transcript NM_005585.5 (MANE Select); coding-DNA position 513, A replaced by C.
Protein change: p.Glu171Asp; replaces glutamic acid 171 with aspartic acid.
Molecular consequence: missense variant. On other transcripts: non-coding transcript variant (1).
Genome position (GRCh38, 1-based): chr15:66,703,771, A>C. VCF-style: chr15-66703771-A-C. GRCh37 (hg19) VCF-style: chr15-66996109-A-C.
Other names: short protein forms E171D.
Identifiers: ClinVar variation 1745588 (VCV001745588.2), dbSNP rs1893037828, ClinGen allele CA392949696.
Genomic context (GRCh38, chr15:66,703,771, plus strand): 5'-GCCGGCGGGCGGCGGGCGGAGTCGCGAAGCGCGCTCGCGGCTGCTGCTGCTGGAGCAGGA[A>C]CTCAAAACCGTCACGTACTCGCTGCTGAAGCGGCTCAAGGAGCGCTCGCTGGACACGCTG-3'
Protein context (NP_005576.3, residues 161-181): ARSRLLLLEQ[Glu171Asp]LKTVTYSLLK